The following is an entry in ClinVar:

ClinVar aggregate classification (germline): Likely benign. Review status: criteria provided, multiple submitters, no conflicts (2 of 4 stars). 4 submissions from 4 submitters: Likely benign (4). Last evaluated 2024-12-06.

Conditions:
Cardiomyopathy (CMYO). Also called: Cardiomyopathies. Identifiers: Orphanet 167848, MedGen C0878544, MONDO:0004994, HP:0001638. Inheritance: Various modes of inheritance.
Hypertrophic cardiomyopathy. Also called: HYPERTROPHIC MYOCARDIOPATHY. Identifiers: Orphanet 217569, MedGen C0007194, MeSH D002312, MONDO:0005045, HP:0001639.

Allele frequency attached by ClinVar (database versions not stated): gnomAD exomes below 0.00001.
gnomAD v4.1: 5 of 1,614,180 alleles (0.00031%); highest among the groups gnomAD compares: South Asian, 0.0044%; no homozygotes.

Submissions (4):

Women's Health and Genetics/Laboratory Corporation of America, LabCorp
Classification: Likely benign. Last evaluated: 2024-12-06. Review status: criteria provided, single submitter. Criteria: LabCorp Variant Classification Summary - May 2015. Collection method: clinical testing. Allele origin: germline.

All of Us Research Program, National Institutes of Health
Classification: Likely benign for Cardiomyopathy. Last evaluated: 2024-05-30. Review status: criteria provided, single submitter. Criteria: ACMG Guidelines, 2015. Collection method: clinical testing. Allele origin: germline. Inheritance: Autosomal dominant inheritance. Observed: 2 variant alleles, 2 heterozygotes.
Comment: This study involves interpretation of variants in research participants for the purpose of population health screening. Participant phenotype was not available at the time of variant classification. Additional details can be found in publication PMID: 35346344, PMCID: PMC8962531

Labcorp Genetics (formerly Invitae), Labcorp
Classification: Likely benign for Hypertrophic cardiomyopathy. Last evaluated: 2024-05-12. Review status: criteria provided, single submitter. Criteria: Invitae Variant Classification Sherloc (09022015). Collection method: clinical testing. Allele origin: germline.

Color Diagnostics, LLC DBA Color Health
Classification: Likely benign for Cardiomyopathy. Last evaluated: 2021-03-16. Review status: criteria provided, single submitter. Criteria: ACMG Guidelines, 2015. Collection method: clinical testing. Allele origin: germline.

NM_000257.4(MYH7):c.5265C>A (p.Ala1755=)

Genes: MYH7 (myosin heavy chain 7; minus strand), LOC126861897 (BRD4-independent group 4 enhancer GRCh37_chr14:23884455-23885654; plus strand). Cytogenetic location: 14q11.2.
Variant type: single nucleotide variant.
Coding change: c.5265C>A on transcript NM_000257.4 (MANE Select); coding-DNA position 5265, C replaced by A.
Protein change: p.Ala1755=; no amino-acid change (alanine 1755 retained).
Molecular consequence: synonymous variant.
Genome position (GRCh38, 1-based): chr14:23,415,399, G>T on the plus strand (C>A on the coding strand, the complement: MYH7 is on the minus strand). VCF-style: chr14-23415399-G-T. GRCh37 (hg19) VCF-style: chr14-23884608-G-T.
Identifiers: ClinVar variation 1331882 (VCV001331882.10), dbSNP rs2138639281, ClinGen allele CA485766213.